The following is an entry in ClinVar:

ClinVar aggregate classification (germline): Likely pathogenic. Review status: reviewed by expert panel (3 of 4 stars). 4 submissions from 4 submitters: Likely pathogenic (1). 3 of the submissions do not count toward it. Last evaluated 2024-04-06.

Conditions:
Maturity-onset diabetes of the young (MODY). Also called: Maturity onset diabetes mellitus in young. Identifiers: Orphanet 552, MedGen C0342276, MONDO:0018911, HP:0004904.
Monogenic diabetes. Identifiers: Orphanet 183625, MedGen C3888631, MONDO:0015967.
Maturity-onset diabetes of the young type 1. Also called: MODY type 1; Diabetes mellitus MODY type 1; MODY HNF4A related; HNF4A-Related Maturity-Onset Diabetes of the Young Type 1; MODY, type I; MILD JUVENILE DIABETES MELLITUS. Identifiers: Orphanet 552, MedGen C1852093, MONDO:0007452, OMIM 125850. Disease mechanism: loss of function.
Type 2 diabetes mellitus. Also called: Type II diabetes mellitus. Identifiers: MedGen C0011860, MeSH D003924, MONDO:0005148, OMIM 125853, HP:0005978.
Fanconi renotubular syndrome 4 with maturity-onset diabetes of the young (FRTS4). Also called: FRTS4 WITH MODY. Identifiers: Orphanet 93111, MedGen C4014962, MONDO:0014458, OMIM 616026.

Submissions (4):

ClinGen Monogenic Diabetes Variant Curation Expert Panel
Classification: Likely pathogenic for Monogenic diabetes. Last evaluated: 2024-04-06. Review status: reviewed by expert panel. Criteria: ClinGen Diabetes ACMG Specifications HNF4A V2.0.0. Collection method: curation. Allele origin: germline. Inheritance: Autosomal dominant inheritance.
Comment: The c.427-1G>A variant in the hepatocyte nuclear factor 4-alpha gene, HNF4A, is predicted to and has been shown (PMID: 28242437) to remove a canonical splice acceptor site in intron 4 of NM_175914.4. This variant leads to the deletion of 16 amino acids from exon 5 (<10% deletion), which is part of the ligand binding domain (PVS1_Moderate; PMID: 28242437). This variant is absent from gnomAD v2.1.1 (PM2_Supporting). This variant segregated with diabetes, with three informative meioses in one family with MODY (PP1; PMID: 28242437). This variant was identified in at least three individuals with a clinical history highly specific for HNF4A-MODY (MODY probability calculator result >50%, negative genetic testing for HNF1A, and a personal or family history of persistent neonatal hypoglycemia) (PP4_Moderate; PMID: 28242437). In summary, c.427-1G>A meets the criteria to be classified as likely pathogenic for monogenic diabetes. ACMG/AMP criteria applied, as specified by the ClinGen MDEP (specification version 2.0.0, approved 10/11/2023): PVS1_Moderate, PM2_Supporting, PP1, PP4_Moderate.

Fulgent Genetics
Classification: Likely pathogenic for Maturity-onset diabetes of the young type 1; Type 2 diabetes mellitus; Fanconi renotubular syndrome 4 with maturity-onset diabetes of the young. Last evaluated: 2021-12-11. Review status: criteria provided, single submitter. Criteria: ACMG Guidelines, 2015. Collection method: clinical testing. Allele origin: unknown. Not counted in ClinVar's aggregate classification.

Institute of Experimental Endocrinology, Slovak Academy of Sciences
Classification: Pathogenic for Maturity-onset diabetes of the young type 1. Last evaluated: 2018-08-01. Review status: criteria provided, single submitter. Criteria: ACMG Guidelines, 2015. Collection method: clinical testing. Allele origin: maternal. Affected: yes. Observed: 1 heterozygote. Not counted in ClinVar's aggregate classification.

Clinical Genomics, Uppaluri K&H Personalized Medicine Clinic
Classification: Likely pathogenic for Maturity-onset diabetes of the young. Review status: criteria provided, single submitter. Criteria: K & H Uppaluri Personalized Medicine Clinic Variant Classification & Assertion Criteria_Updated V.1. Collection method: research. Allele origin: unknown. Inheritance: Autosomal dominant inheritance. Not counted in ClinVar's aggregate classification.
Comment: Potent mutations in HNF4A are associated with poor insulin secretion in response to hyperglycemia. Associated with MODY1. Patients initially respond well to sulfonylureas but eventually become insulin dependent. However, more evidence is required to ascertain the role of this particular variant rs1568731279 in MODY, yet.

Literature cited by the submitters: PubMed 28242437 (cited by Institute of Experimental Endocrinology, Slovak Academy of Sciences); PubMed 18268044 (cited by Clinical Genomics, Uppaluri K&H Personalized Medicine Clinic); PubMed 17563455 (cited by Clinical Genomics, Uppaluri K&H Personalized Medicine Clinic); PubMed 32583173 (cited by Clinical Genomics, Uppaluri K&H Personalized Medicine Clinic); PubMed 35052457 (cited by Clinical Genomics, Uppaluri K&H Personalized Medicine Clinic); PubMed 35118593 (cited by Clinical Genomics, Uppaluri K&H Personalized Medicine Clinic); DOI 10.1159/000334532 (cited by Clinical Genomics, Uppaluri K&H Personalized Medicine Clinic).

NM_175914.5(HNF4A):c.427-1G>A

Gene: HNF4A (hepatocyte nuclear factor 4 alpha; plus strand). Cytogenetic location: 20q13.12.
Variant type: single nucleotide variant.
Coding change: c.427-1G>A on transcript NM_175914.5 (MANE Select); the canonical splice acceptor site of the intron before coding-DNA position 427, G replaced by A.
Molecular consequence: splice acceptor variant.
Genome position (GRCh38, 1-based): chr20:44,414,506, G>A. VCF-style: chr20-44414506-G-A. GRCh37 (hg19) VCF-style: chr20-43043146-G-A.
Other names: c.418-1G>A (NM_001287182.2, NM_001287183.2, NM_001287184.2); c.427-1G>A (NM_001030003.3, NM_001030004.3, LRG_483t1); c.472-1G>A (NM_001258355.2); c.493-1G>A (NM_178849.3, NM_000457.6, NM_178850.3).
Identifiers: ClinVar variation 587398 (VCV000587398.4), dbSNP rs1568731279, ClinGen allele CA409105870.